The following is an entry in ClinVar:

ClinVar aggregate classification (germline): Uncertain significance (1 of 4 stars; one submission).

Submission:

Ambry Genetics
Classification: Uncertain significance. Last evaluated: 2026-05-14. Review status: criteria provided, single submitter. Criteria: Ambry Variant Classification Scheme 2023. Collection method: clinical testing. Allele origin: germline.
Comment: The p.R411G variant (also known as c.1231A>G), located in coding exon 5 of the EGLN1 gene, results from an A to G substitution at nucleotide position 1231. The arginine at codon 411 is replaced by glycine, an amino acid with dissimilar properties. This amino acid position is conserved. In addition, the in silico prediction for this alteration is inconclusive. Based on the available evidence, the clinical significance of this variant remains unclear.

NM_022051.3(EGLN1):c.1231A>G (p.Arg411Gly)

Gene: EGLN1 (egl-9 family hypoxia inducible factor 1; minus strand). Cytogenetic location: 1q42.2.
Variant type: single nucleotide variant.
Coding change: c.1231A>G on transcript NM_022051.3 (MANE Select); coding-DNA position 1231, A replaced by G.
Protein change: p.Arg411Gly; replaces arginine 411 with glycine.
Molecular consequence: missense variant. On other transcripts: 3 prime UTR variant (2).
Genome position (GRCh38, 1-based): chr1:231,366,461, T>C on the plus strand (A>G on the coding strand, the complement: EGLN1 is on the minus strand). VCF-style: chr1-231366461-T-C. GRCh37 (hg19) VCF-style: chr1-231502207-T-C.
Other names: c.*56A>G (NM_001377261.1); c.*11A>G (NM_001377260.1); short protein forms R411G.
Identifiers: ClinVar variation 4870320 (VCV004870320.1).